The following is an entry in ClinVar:

ClinVar aggregate classification (germline): Conflicting classifications of pathogenicity. Review status: criteria provided, conflicting classifications (1 of 4 stars). 4 submissions from 4 submitters: Pathogenic (1); Likely pathogenic (1); Uncertain significance (2). Last evaluated 2026-09-11.

Conditions:
Aneurysm-osteoarthritis syndrome. Also called: LOEYS-DIETZ SYNDROME WITH OSTEOARTHRITIS; SMAD3-Related Loeys-Dietz Syndrome; ANEURYSMS-OSTEOARTHRITIS SYNDROME; Loeys-Dietz syndrome, type 1C. Identifiers: Orphanet 284984, MedGen C3151087, MONDO:0013426, OMIM 613795.
Familial thoracic aortic aneurysm and aortic dissection (TAAD). Also called: Thoracic aortic aneurysms and dissections. Identifiers: Orphanet 91387, MedGen C4707243, MONDO:0019625.

Submissions (4):

Ambry Genetics
Classification: Likely pathogenic for Familial thoracic aortic aneurysm and aortic dissection. Last evaluated: 2026-09-11. Review status: criteria provided, single submitter. Criteria: Ambry Variant Classification Scheme 2023. Collection method: clinical testing. Allele origin: germline.
Comment: The p.R385G variant (also known as c.1153A>G), located in coding exon 8 of the SMAD3 gene, results from an A to G substitution at nucleotide position 1153. The arginine at codon 385 is replaced by glycine, an amino acid with dissimilar properties. This variant was reported in individual(s) with features consistent with SMAD3-related Loeys-Dietz syndrome (Chesneau B et al. Mol Genet Genomic Med, 2020 May;8:e1132; Ambry internal data). This missense variant is located in a region that has a low rate of benign missense variation (Lek M et al. Nature. 2016 Aug 18;536(7616):285-91; DECIPHER: Database of Chromosomal Imbalance and Phenotype in Humans using Ensembl Resources. Firth H.V. et al. 2009. Am.J.Hum.Genet. 84, 524-533 (DOI)). This amino acid position is highly conserved in available vertebrate species. In addition, this alteration is predicted to be deleterious by in silico analysis. This variant is considered to be rare based on population cohorts in the Genome Aggregation Database (gnomAD). Based on the majority of available evidence to date, this variant is likely to be pathogenic.

Labcorp Genetics (formerly Invitae), Labcorp
Classification: Uncertain significance for Familial thoracic aortic aneurysm and aortic dissection. Last evaluated: 2025-10-17. Review status: criteria provided, single submitter. Criteria: Invitae Variant Classification Sherloc (09022015). Collection method: clinical testing. Allele origin: germline.
Comment: This sequence change replaces arginine, which is basic and polar, with glycine, which is neutral and non-polar, at codon 385 of the SMAD3 protein (p.Arg385Gly). This variant is not present in population databases (gnomAD no frequency). This missense change has been observed in individuals with clinical features of SMAD3-related conditions (PMID: 30661052, 32154675; internal data). ClinVar contains an entry for this variant (Variation ID: 263520). An algorithm developed to predict the effect of missense changes on protein structure and function (PolyPhen-2) suggests that this variant is likely to be tolerated. Algorithms developed to predict the effect of sequence changes on RNA splicing suggest that this variant may disrupt the consensus splice site. In summary, the available evidence is currently insufficient to determine the role of this variant in disease. Therefore, it has been classified as a Variant of Uncertain Significance.

Centre of Medical Genetics, University Hospital Muenster
Classification: Uncertain significance. Last evaluated: 2021-03-08. Review status: criteria provided, single submitter. Criteria: ACMG Guidelines, 2015. Collection method: clinical testing. Allele origin: germline. Affected: yes. Observed: 1 variant allele, 1 heterozygote.
Comment: ACMG categories: PM2,PP3

Genetics Department, University Hospital of Toulouse
Classification: Pathogenic for Loeys-Dietz syndrome 3. Last evaluated: 2019-07-19. Review status: criteria provided, single submitter. Criteria: ACMG Guidelines, 2015. Collection method: clinical testing. Allele origin: germline. Affected: yes. Observed: 2 variant alleles.

Literature cited by the submitters: PubMed 32154675 (cited by Ambry Genetics and Labcorp Genetics (formerly Invitae), Labcorp); PubMed 30661052 (cited by Labcorp Genetics (formerly Invitae), Labcorp); PubMed 22167769 (cited by Genetics Department, University Hospital of Toulouse).

NM_005902.4(SMAD3):c.1153A>G (p.Arg385Gly)

Gene: SMAD3 (SMAD family member 3; plus strand). Cytogenetic location: 15q22.33.
Variant type: single nucleotide variant.
Coding change: c.1153A>G on transcript NM_005902.4 (MANE Select); coding-DNA position 1153, A replaced by G.
Protein change: p.Arg385Gly; replaces arginine 385 with glycine.
Molecular consequence: missense variant.
Genome position (GRCh38, 1-based): chr15:67,187,508, A>G. VCF-style: chr15-67187508-A-G. GRCh37 (hg19) VCF-style: chr15-67479846-A-G.
Other names: c.838A>G, p.Arg280Gly (NM_001145102.2); c.1021A>G, p.Arg341Gly (NM_001145103.2); c.568A>G, p.Arg190Gly (NM_001145104.2); short protein forms R385G, R280G, R341G, R190G.
Identifiers: ClinVar variation 263520 (VCV000263520.17), dbSNP rs886038836, ClinGen allele CA10587879.
Genomic context (GRCh38, chr15:67,187,508, plus strand): 5'-CAGTTGACCCGAATGTGCACCATCCGCATGAGCTTCGTCAAAGGCTGGGGAGCGGAGTAC[A>G]GGTCAGTTATGGGTGCTGCCTACATCAGGGGACCCAACTCCAGGTGACTCTGGACAGCAG-3'
Protein context (NP_005893.1, residues 375-395): SFVKGWGAEY[Arg385Gly]RQTVTSTPCW